The following is an entry in ClinVar:

NM_000256.3(MYBPC3):c.2399G>A (p.Gly800Glu)

Gene: MYBPC3 (myosin binding protein C3; minus strand). Cytogenetic location: 11p11.2.
Variant type: single nucleotide variant.
Coding change: c.2399G>A on transcript NM_000256.3 (MANE Select); coding-DNA position 2399, G replaced by A.
Protein change: p.Gly800Glu; replaces glycine 800 with glutamic acid.
Molecular consequence: missense variant.
Genome position (GRCh38, 1-based): chr11:47,337,704, C>T on the plus strand (G>A on the coding strand, the complement: MYBPC3 is on the minus strand). VCF-style: chr11-47337704-C-T. GRCh37 (hg19) VCF-style: chr11-47359255-C-T.
Other names: short protein forms G800E.
Identifiers: ClinVar variation 919921 (VCV000919921.16), dbSNP rs1273374175, ClinGen allele CA380318631.

ClinVar aggregate classification (germline): Uncertain significance. Review status: criteria provided, multiple submitters, no conflicts (2 of 4 stars). 6 submissions from 6 submitters: Uncertain significance (6). Last evaluated 2025-05-04.

Conditions:
Cardiomyopathy (CMYO). Also called: Cardiomyopathies. Identifiers: Orphanet 167848, MedGen C0878544, MONDO:0004994, HP:0001638. Inheritance: Various modes of inheritance.
Hypertrophic cardiomyopathy. Also called: HYPERTROPHIC MYOCARDIOPATHY. Identifiers: Orphanet 217569, MedGen C0007194, MeSH D002312, MONDO:0005045, HP:0001639.
Cardiovascular phenotype. Identifiers: MedGen CN230736.
Hypertrophic cardiomyopathy 4. Also called: Familial hypertrophic cardiomyopathy 4. Identifiers: MedGen C1861862, MONDO:0007268, OMIM 115197.
Left ventricular noncompaction 10 (LVNC10). Identifiers: Orphanet 154, Orphanet 54260, MedGen C3715165, MONDO:0014163, OMIM 615396.

Allele frequency attached by ClinVar (database versions not stated): TOPMed below 0.00001; gnomAD 0.00001.
gnomAD v4.1: 2 of 1,579,240 alleles (0.00013%); highest among the groups gnomAD compares: Non-Finnish European, 0.00017%; no homozygotes.

Submissions (6):

Labcorp Genetics (formerly Invitae), Labcorp
Classification: Uncertain significance for Hypertrophic cardiomyopathy. Last evaluated: 2025-05-04. Review status: criteria provided, single submitter. Criteria: Invitae Variant Classification Sherloc (09022015). Collection method: clinical testing. Allele origin: germline.
Comment: This sequence change replaces glycine, which is neutral and non-polar, with glutamic acid, which is acidic and polar, at codon 800 of the MYBPC3 protein (p.Gly800Glu). This variant is not present in population databases (gnomAD no frequency). This variant has not been reported in the literature in individuals affected with MYBPC3-related conditions. ClinVar contains an entry for this variant (Variation ID: 919921). An algorithm developed to predict the effect of missense changes on protein structure and function (PolyPhen-2) suggests that this variant is likely to be disruptive. In summary, the available evidence is currently insufficient to determine the role of this variant in disease. Therefore, it has been classified as a Variant of Uncertain Significance.

All of Us Research Program, National Institutes of Health
Classification: Uncertain significance for Hypertrophic cardiomyopathy. Last evaluated: 2024-08-06. Review status: criteria provided, single submitter. Criteria: ACMG Guidelines, 2015. Collection method: clinical testing. Allele origin: germline. Inheritance: Autosomal dominant inheritance. Observed: 5 variant alleles, 5 heterozygotes.
Comment: This missense variant replaces glycine with glutamic acid at codon 800 of the MYBPC3 protein. Computational prediction is inconclusive regarding the impact of this variant on protein structure and function (internally defined REVEL score threshold 0.5 < inconclusive < 0.7, PMID: 27666373). To our knowledge, functional studies have not been reported for this variant. This variant has not been reported in individuals affected with cardiovascular disorders in the literature. This variant has not been identified in the general population by the Genome Aggregation Database (gnomAD). The available evidence is insufficient to determine the role of this variant in disease conclusively. Therefore, this variant is classified as a Variant of Uncertain Significance.

This study involves interpretation of variants in research participants for the purpose of population health screening. Participant phenotype was not available at the time of variant classification. Additional details can be found in publication PMID: 35346344, PMCID: PMC8962531

Color Diagnostics, LLC DBA Color Health
Classification: Uncertain significance for Cardiomyopathy. Last evaluated: 2023-09-13. Review status: criteria provided, single submitter. Criteria: ACMG Guidelines, 2015. Collection method: clinical testing. Allele origin: germline.
Comment: This missense variant replaces glycine with glutamic acid at codon 800 of the MYBPC3 protein. Computational prediction is inconclusive regarding the impact of this variant on protein structure and function (internally defined REVEL score threshold 0.5 < inconclusive < 0.7, PMID: 27666373). To our knowledge, functional studies have not been reported for this variant. This variant has not been reported in individuals affected with MYBPC3-related disorders in the literature. This variant has not been identified in the general population by the Genome Aggregation Database (gnomAD). The available evidence is insufficient to determine the role of this variant in disease conclusively. Therefore, this variant is classified as a Variant of Uncertain Significance.

Ambry Genetics
Classification: Uncertain significance for Cardiovascular phenotype. Last evaluated: 2023-04-28. Review status: criteria provided, single submitter. Criteria: Ambry Variant Classification Scheme 2023. Collection method: clinical testing. Allele origin: germline.
Comment: The p.G800E variant (also known as c.2399G>A), located in coding exon 24 of the MYBPC3 gene, results from a G to A substitution at nucleotide position 2399. The glycine at codon 800 is replaced by glutamic acid, an amino acid with similar properties. This amino acid position is conserved. In addition, this alteration is predicted to be deleterious by in silico analysis. Since supporting evidence is limited at this time, the clinical significance of this alteration remains unclear.

Fulgent Genetics
Classification: Uncertain significance for Hypertrophic cardiomyopathy 4; Left ventricular noncompaction 10. Last evaluated: 2021-10-09. Review status: criteria provided, single submitter. Criteria: ACMG Guidelines, 2015. Collection method: clinical testing. Allele origin: unknown.

GeneDx
Classification: Uncertain significance. Last evaluated: 2019-04-11. Review status: criteria provided, single submitter. Criteria: GeneDx Variant Classification Process June 2021. Collection method: clinical testing. Allele origin: germline. Affected: yes.
Comment: Not observed in large population cohorts (Lek et al., 2016); In silico analysis, which includes protein predictors and evolutionary conservation, supports a deleterious effect; Has not been previously published as pathogenic or benign to our knowledge